The following is an entry in ClinVar:

NM_000135.4(FANCA):c.2604_2609del

Genes: FANCA (FA complementation group A; minus strand), LOC130059837 (ATAC-STARR-seq lymphoblastoid active region 11420; plus strand). Cytogenetic location: 16q24.3.
Variant type: Microsatellite.
Coding change: c.2604_2609del on transcript NM_000135.4 (MANE Select); coding-DNA positions 2604 to 2609, 6 bases deleted (TCAGTT; older notation c.2604_2609delTCAGTT).
Molecular consequence: splice acceptor variant.
Genome position (GRCh38, 1-based): chr16:89,765,059-89,765,064, AACTGA deleted on the plus strand (TCAGTT on the coding strand, the reverse complement: FANCA is on the minus strand); deleting any 6 consecutive bases within chr16:89,765,059-89,765,073 gives the same sequence; the c. name uses the placement nearest the transcript's 3' end. VCF-style (leftmost placement, unchanged base first): chr16-89765058-GAACTGA-G. GRCh37 (hg19) VCF-style: chr16-89831466-GAACTGA-G.
Other names: c.2604_2609delTCAGTT (NM_000135.4, NM_000135.3).
Identifiers: ClinVar variation 974247 (VCV000974247.13), ClinGen allele CA8251619.

ClinVar aggregate classification (germline): Pathogenic/Likely pathogenic. Review status: criteria provided, multiple submitters, no conflicts (2 of 4 stars). 7 submissions from 7 submitters: Pathogenic (2); Likely pathogenic (4). 1 of the submissions does not count toward it. Last evaluated 2025-02-18.

Conditions:
Fanconi anemia (FA). Also called: Fanconi's anemia. Identifiers: Orphanet 84, MedGen C0015625, MeSH D005199, MONDO:0019391.
FANCA-related disorders.
Fanconi anemia complementation group A (FANCA). Also called: Fanconi anemia, group A; FANCA-Related Fanconi Anemia. Identifiers: Orphanet 84, MedGen C3469521, MONDO:0009215, OMIM 227650.

Submissions (7):

Natera, Inc.
Classification: Likely pathogenic for Fanconi anemia. Last evaluated: 2025-02-18. Review status: criteria provided, single submitter. Criteria: Natera Variant Classification Schema (03/2026). Collection method: clinical testing. Allele origin: germline.
Comment: The c.2604_2609delTCAGTT variant in FANCA is an in-frame deletion. This variant is rare in the general population with a frequency below the threshold expected for the associated phenotype(s). This variant has been observed in one or more individuals affected with the associated recessive disease, as either homozygous or compound heterozygous with a second variant (PMID: 10090479, 17924555). This variant results in a change to the protein length while preserving reading frame, which may disrupt normal protein structure or function. Computational prediction algorithms indicate this variant is likely to affect gene or protein function. Given the available evidence, this variant is classified as Likely Pathogenic.

Fulgent Genetics
Classification: Likely pathogenic for Fanconi anemia complementation group A. Last evaluated: 2024-05-02. Review status: criteria provided, single submitter. Criteria: ACMG Guidelines, 2015. Collection method: clinical testing. Allele origin: germline.

Labcorp Genetics (formerly Invitae), Labcorp
Classification: Pathogenic for Fanconi anemia. Last evaluated: 2023-09-21. Review status: criteria provided, single submitter. Criteria: Invitae Variant Classification Sherloc (09022015). Collection method: clinical testing. Allele origin: germline.
Comment: This variant, c.2604_2609del, results in the deletion of 2 amino acid(s) of the FANCA protein (p.Gln869_Phe870del), but otherwise preserves the integrity of the reading frame. This variant is present in population databases (rs745864224, gnomAD 0.0009%). This variant has been observed in individual(s) with clinical features of Fanconi anemia (PMID: 15643609, 17924555). ClinVar contains an entry for this variant (Variation ID: 974247). This variant disrupts a region of the FANCA protein in which other variant(s) (p.Gln869Pro) have been determined to be pathogenic (PMID: 15643609, 17924555, 29098742; Invitae). This suggests that this is a clinically significant region of the protein, and that variants that disrupt it are likely to be disease-causing. For these reasons, this variant has been classified as Pathogenic.

Baylor Genetics
Classification: Likely pathogenic for Fanconi anemia complementation group A. Last evaluated: 2022-11-29. Review status: criteria provided, single submitter. Criteria: ACMG Guidelines, 2015. Collection method: clinical testing. Allele origin: unknown.

Department of Pediatrics, Memorial Sloan Kettering Cancer Center
Classification: Likely pathogenic for Fanconi anemia complementation group A. Last evaluated: 2020-12-15. Review status: criteria provided, single submitter. Criteria: ACMG Guidelines, 2015. Collection method: research. Allele origin: germline. Affected: no.

Blueprint Genetics
Classification: Pathogenic for FANCA-related disorders. Last evaluated: 2019-05-03. Review status: criteria provided, single submitter. Criteria: ACMG Guidelines, 2015. Collection method: clinical testing. Allele origin: germline. Affected: yes. Observed: 1 variant allele.

Leiden Open Variation Database
Classification: Pathogenic for Fanconi anemia complementation group A. Last evaluated: 2020-02-28. Review status: no assertion criteria provided. Collection method: curation. Allele origin: germline. Affected: yes. Not counted in ClinVar's aggregate classification.
Comment: Curator: Arleen D. Auerbach. Submitters to LOVD: Arleen D. Auerbach, Daniela Pilonetto, Johan de Winter.

Literature cited by the submitters: PubMed 10090479 (cited by Natera, Inc.); PubMed 17924555 (cited by 3 submitters); PubMed 15643609 (cited by Labcorp Genetics (formerly Invitae), Labcorp); PubMed 29098742 (cited by Labcorp Genetics (formerly Invitae), Labcorp); PubMed 28873162 (cited by Department of Pediatrics, Memorial Sloan Kettering Cancer Center).